The following is an entry in ClinVar:

ClinVar aggregate classification (germline): Uncertain significance (1 of 4 stars; one submission).

Conditions:
Charcot-Marie-Tooth disease axonal type 2O. Also called: CHARCOT-MARIE-TOOTH NEUROPATHY, AXONAL, TYPE 2O; CHARCOT-MARIE-TOOTH DISEASE, AXONAL, AUTOSOMAL DOMINANT, TYPE 2O; Charcot-Marie-Tooth Neuropathy Type 2O; Charcot-Marie-Tooth disease, axonal, type 20. Identifiers: Orphanet 284232, MedGen C3280220, MONDO:0013644, OMIM 614228.

Allele frequency attached by ClinVar (database versions not stated): gnomAD exomes below 0.00001; TOPMed below 0.00001.
gnomAD v4.1: 1 of 1,614,164 alleles (0.000062%); highest among the groups gnomAD compares: Non-Finnish European, 0.000085%; no homozygotes.

Submission:

Labcorp Genetics (formerly Invitae), Labcorp
Classification: Uncertain significance for Charcot-Marie-Tooth disease axonal type 2O. Last evaluated: 2023-05-26. Review status: criteria provided, single submitter. Criteria: Invitae Variant Classification Sherloc (09022015). Collection method: clinical testing. Allele origin: germline.
Comment: Advanced modeling of protein sequence and biophysical properties (such as structural, functional, and spatial information, amino acid conservation, physicochemical variation, residue mobility, and thermodynamic stability) performed at Invitae indicates that this missense variant is not expected to disrupt DYNC1H1 protein function. In summary, the available evidence is currently insufficient to determine the role of this variant in disease. Therefore, it has been classified as a Variant of Uncertain Significance. This variant has not been reported in the literature in individuals affected with DYNC1H1-related conditions. This variant is not present in population databases (gnomAD no frequency). This sequence change replaces isoleucine, which is neutral and non-polar, with methionine, which is neutral and non-polar, at codon 1282 of the DYNC1H1 protein (p.Ile1282Met).

NM_001376.5(DYNC1H1):c.3846A>G (p.Ile1282Met)

Gene: DYNC1H1 (dynein cytoplasmic 1 heavy chain 1; plus strand). Cytogenetic location: 14q32.31.
Variant type: single nucleotide variant.
Coding change: c.3846A>G on transcript NM_001376.5 (MANE Select); coding-DNA position 3846, A replaced by G.
Protein change: p.Ile1282Met; replaces isoleucine 1282 with methionine.
Molecular consequence: missense variant.
Genome position (GRCh38, 1-based): chr14:102,000,030, A>G. VCF-style: chr14-102000030-A-G. GRCh37 (hg19) VCF-style: chr14-102466367-A-G.
Other names: short protein forms I1282M.
Identifiers: ClinVar variation 2793107 (VCV002793107.3), dbSNP rs2048112192, ClinGen allele CA391038218.
Genomic context (GRCh38, chr14:102,000,030, plus strand): 5'-GTGCTCTGACTGCTTTCAGGGCAACCTTCGCCCAGAAGAGGCACTTCAGGCTCTCACCAT[A>G]TATGAGGGGAAGTTTGGTAGGCTGAAGGACGACAGAGAGAAGTGTGCAAAGGCCAAGGAG-3'
Protein context (NP_001367.2, residues 1272-1292): RPEEALQALT[Ile1282Met]YEGKFGRLKD